The following is an entry in ClinVar:

NM_023110.3(FGFR1):c.1520G>A (p.Arg507His)

Gene: FGFR1 (fibroblast growth factor receptor 1; minus strand). Cytogenetic location: 8p11.23.
Variant type: single nucleotide variant.
Coding change: c.1520G>A on transcript NM_023110.3 (MANE Select); coding-DNA position 1520, G replaced by A.
Protein change: p.Arg507His; replaces arginine 507 with histidine.
Molecular consequence: missense variant.
Genome position (GRCh38, 1-based): chr8:38,417,902, C>T on the plus strand (G>A on the coding strand, the complement: FGFR1 is on the minus strand). VCF-style: chr8-38417902-C-T. GRCh37 (hg19) VCF-style: chr8-38275420-C-T.
Other names: c.1514G>A, p.Arg505His (NM_001174063.2, NM_001174065.2, NM_001354367.2 and 1 more transcripts); c.1490G>A, p.Arg497His (NM_001174064.2); c.1253G>A, p.Arg418His (NM_001174066.2, NM_023105.3); c.1613G>A, p.Arg538His (NM_001174067.2); c.1241G>A, p.Arg414His (NM_001354368.2); c.1508G>A, p.Arg503His (NM_001354369.2); c.1247G>A, p.Arg416His (NM_001354370.2, NM_023106.3); short protein forms R507H, R497H, R503H, R418H, R538H, R414H, R416H, R505H.
Identifiers: ClinVar variation 432990 (VCV000432990.11), dbSNP rs369356672, ClinGen allele CA4718357.

ClinVar aggregate classification (germline): Conflicting classifications of pathogenicity. Review status: criteria provided, conflicting classifications (1 of 4 stars). 4 submissions from 4 submitters: Uncertain significance (3); Benign (1). Last evaluated 2025-10-05.

Conditions:
Hypogonadotropic hypogonadism 2 with or without anosmia (HH2). Also called: FGFR1-Related GnRH Deficiency (Kallmann Syndrome 2); HYPOGONADOTROPIC HYPOGONADISM 2 WITHOUT ANOSMIA; HYPOGONADOTROPIC HYPOGONADISM 2 WITH OR WITHOUT ANOSMIA, SUSCEPTIBILITY TO; HYPOGONADOTROPIC HYPOGONADISM 2 WITHOUT ANOSMIA, SUSCEPTIBILITY TO. Identifiers: Orphanet 478, MedGen C1563720, MONDO:0007844, OMIM 147950. Disease mechanism: loss of function.
Pfeiffer syndrome (ACS5). Also called: ACS V. Identifiers: Orphanet 710, MedGen C0220658, MONDO:0007043, OMIM 101600.
Hartsfield-Bixler-Demyer syndrome (HRTFDS). Also called: FGFR1-Related Hartsfield Syndrome; Holoprosencephaly, ectrodactyly, and bilateral cleft lip/palate; Hartsfield syndrome. Identifiers: Orphanet 2117, MedGen C1845146, MONDO:0014196, OMIM 615465. Disease mechanism: loss of function.
Trigonocephaly 1 (TRIGNO1). Identifiers: Orphanet 3366, MedGen C0432122, MONDO:0008603, OMIM 190440.
Jackson-Weiss syndrome (JWS). Also called: CRANIOSYNOSTOSIS, MIDFACIAL HYPOPLASIA, AND FOOT ABNORMALITIES. Identifiers: Orphanet 1540, MedGen C0795998, MONDO:0007400, OMIM 123150. Disease mechanism: loss of function.
Encephalocraniocutaneous lipomatosis (ECCL). Identifiers: Orphanet 2396, MedGen C0406612, MONDO:0013074, OMIM 613001.
Osteoglophonic dysplasia (OGD). Also called: Osteoglophonic dwarfism. Identifiers: Orphanet 2645, MedGen C0432283, MONDO:0008150, OMIM 166250.

Allele frequency attached by ClinVar (database versions not stated): gnomAD 0.00007 and 0.00009; gnomAD exomes 0.00007; ExAC 0.00008; TOPMed 0.00011; ESP Exome Variant Server 0.00016.
gnomAD v4.1: 237 of 1,614,084 alleles (0.015%); highest among the groups gnomAD compares: Non-Finnish European, 0.019%; 1 homozygote.

Submissions (4):

Labcorp Genetics (formerly Invitae), Labcorp
Classification: Uncertain significance for Pfeiffer syndrome; Hypogonadotropic hypogonadism 2 with or without anosmia. Last evaluated: 2025-10-05. Review status: criteria provided, single submitter. Criteria: Invitae Variant Classification Sherloc (09022015). Collection method: clinical testing. Allele origin: germline.
Comment: This sequence change replaces arginine, which is basic and polar, with histidine, which is basic and polar, at codon 507 of the FGFR1 protein (p.Arg507His). This variant is present in population databases (rs369356672, gnomAD 0.01%), and has an allele count higher than expected for a pathogenic variant. This variant has not been reported in the literature in individuals affected with FGFR1-related conditions. ClinVar contains an entry for this variant (Variation ID: 432990). Invitae Evidence Modeling of protein sequence and biophysical properties (such as structural, functional, and spatial information, amino acid conservation, physicochemical variation, residue mobility, and thermodynamic stability) indicates that this missense variant is not expected to disrupt FGFR1 protein function with a negative predictive value of 80%. In summary, the available evidence is currently insufficient to determine the role of this variant in disease. Therefore, it has been classified as a Variant of Uncertain Significance.

Fulgent Genetics
Classification: Benign for Pfeiffer syndrome; Jackson-Weiss syndrome; Hypogonadotropic hypogonadism 2 with or without anosmia; Osteoglophonic dysplasia; Trigonocephaly 1; Encephalocraniocutaneous lipomatosis; Hartsfield-Bixler-Demyer syndrome. Last evaluated: 2024-03-08. Review status: criteria provided, single submitter. Criteria: ACMG Guidelines, 2015. Collection method: clinical testing. Allele origin: germline.

Institute of Human Genetics, University of Leipzig Medical Center
Classification: Uncertain significance for Hypogonadotropic hypogonadism 2 with or without anosmia. Last evaluated: 2019-05-21. Review status: criteria provided, single submitter. Criteria: ACMG Guidelines, 2015. Collection method: clinical testing. Allele origin: germline. Affected: yes. Observed: 1 variant allele.

GeneDx
Classification: Uncertain significance. Last evaluated: 2017-06-23. Review status: criteria provided, single submitter. Criteria: GeneDx Variant Classification (06012015). Collection method: clinical testing. Allele origin: germline. Affected: yes.
Comment: The R507H variant has not been published as a germline variant to our knowledge. It has been reported as a presumably somatic variant in an endometrial tumor and metastasis (Afrogheh et al., 2016). The variant is observed in 8/66740 (0.012%) alleles from individuals of European background in the ExAC dataset (Lek et al., 2016). R507H is a conservative amino acid substitution, which is not likely to impact secondary protein structure as these residues share similar properties. This substitution occurs at a position that is conserved in mammals; however, in silico analysis is inconsistent in its predictions as to whether or not the variant is damaging to the protein structure/function. In summary, based on the currently available information, it is unclear whether this variant is a pathogenic variant or a rare benign variant.